The following is an entry in ClinVar:

NM_000548.5(TSC2):c.3678G>A (p.Met1226Ile)

Gene: TSC2 (TSC complex subunit 2; plus strand). Cytogenetic location: 16p13.3.
Variant type: single nucleotide variant.
Coding change: c.3678G>A on transcript NM_000548.5 (MANE Select); coding-DNA position 3678, G replaced by A.
Protein change: p.Met1226Ile; replaces methionine 1226 with isoleucine.
Molecular consequence: missense variant.
Genome position (GRCh38, 1-based): chr16:2,081,662, G>A. VCF-style: chr16-2081662-G-A. GRCh37 (hg19) VCF-style: chr16-2131663-G-A.
Other names: c.3546G>A, p.Met1182Ile (NM_001077183.3, NM_001370404.1); c.3678G>A, p.Met1226Ile (NM_001114382.3); c.3438G>A, p.Met1146Ile (NM_001318827.2); c.3402G>A, p.Met1134Ile (NM_001318829.2); c.2946G>A, p.Met982Ile (NM_001318831.2); c.3579G>A, p.Met1193Ile (NM_001318832.2); c.3549G>A, p.Met1183Ile (NM_001363528.2, NM_001370405.1, NM_021055.3); short protein forms M1193I, M982I, M1226I, M1183I, M1134I, M1146I, M1182I.
Identifiers: ClinVar variation 1403189 (VCV001403189.8), dbSNP rs2151481846, ClinGen allele CA394292285.

ClinVar aggregate classification (germline): Uncertain significance (1 of 4 stars; one submission).

Conditions:
Tuberous sclerosis 2 (TSC2). Identifiers: Orphanet 805, MedGen C1860707, MONDO:0013199, OMIM 613254.

Submission:

Labcorp Genetics (formerly Invitae), Labcorp
Classification: Uncertain significance for Tuberous sclerosis 2. Last evaluated: 2025-12-16. Review status: criteria provided, single submitter. Criteria: Invitae Variant Classification Sherloc (09022015). Collection method: clinical testing. Allele origin: germline.
Comment: This sequence change replaces methionine, which is neutral and non-polar, with isoleucine, which is neutral and non-polar, at codon 1226 of the TSC2 protein (p.Met1226Ile). This variant is not present in population databases (gnomAD no frequency). This variant has not been reported in the literature in individuals affected with TSC2-related conditions. ClinVar contains an entry for this variant (Variation ID: 1403189). Invitae Evidence Modeling of protein sequence and biophysical properties (such as structural, functional, and spatial information, amino acid conservation, physicochemical variation, residue mobility, and thermodynamic stability) indicates that this missense variant is not expected to disrupt TSC2 protein function with a negative predictive value of 95%. In summary, the available evidence is currently insufficient to determine the role of this variant in disease. Therefore, it has been classified as a Variant of Uncertain Significance.